The following is an entry in ClinVar:

ClinVar aggregate classification (germline): other (0 of 4 stars; one submission).

Conditions:
Familial colorectal cancer. Identifiers: MedGen CN280943, MONDO:0023113. Disease mechanism: loss of function.

Submission:

Systems Biology Platform Zhejiang California International NanoSystems Institute
Classification: other for Familial colorectal cancer. Review status: no assertion criteria provided. Collection method: not provided. Allele origin: unknown.
ClinVar note: Converted during submission from cancer to other.

NM_000038.6(APC):c.1744-2151T>A

Gene: APC (APC regulator of WNT signaling pathway; plus strand). Cytogenetic location: 5q22.2.
Variant type: single nucleotide variant.
Coding change: c.1744-2151T>A on transcript NM_000038.6 (MANE Select); 2151 bases into the intron before coding-DNA position 1744, T replaced by A.
Molecular consequence: intron variant.
Genome position (GRCh38, 1-based): chr5:112,832,800, T>A. VCF-style: chr5-112832800-T-A. GRCh37 (hg19) VCF-style: chr5-112168497-T-A.
Other names: c.1744-2151T>A (NM_001354895.2, NM_001127510.3); c.1774-2151T>A (NM_001354897.2); c.1471-2151T>A (NM_001354902.2); c.1690-2151T>A (NM_001127511.3); c.1669-2151T>A (NM_001354898.2); c.1366-2151T>A (NM_001354904.2); c.895-2151T>A (NM_001354906.2); c.1798-2151T>A (NM_001354896.2); and 5 more.
Identifiers: ClinVar variation 83190 (VCV000083190.2), dbSNP rs76499197, ClinGen allele CA005822.